The following is an entry in ClinVar:

ClinVar aggregate classification (germline): Benign (1 of 4 stars; one submission).

Allele frequency attached by ClinVar (database versions not stated): 1000 Genomes Project 30x 0.24282; 1000 Genomes Project 0.24720; TOPMed 0.29392; gnomAD 0.31278 and 0.31338.
gnomAD v4.1: 47,790 of 152,074 alleles (31%); highest among the groups gnomAD compares: Non-Finnish European, 42%; 8,752 homozygotes.

Submission:

GeneDx
Classification: Benign. Last evaluated: 2018-06-14. Review status: criteria provided, single submitter. Criteria: GeneDx Variant Classification (06012015). Collection method: clinical testing. Allele origin: germline. Affected: yes.
Comment: This variant is considered likely benign or benign based on one or more of the following criteria: it is a conservative change, it occurs at a poorly conserved position in the protein, it is predicted to be benign by multiple in silico algorithms, and/or has population frequency not consistent with disease.

NM_006939.4(SOS2):c.714+294C>T

Gene: SOS2 (SOS Ras/Rho guanine nucleotide exchange factor 2; minus strand). Cytogenetic location: 14q21.3.
Variant type: single nucleotide variant.
Coding change: c.714+294C>T on transcript NM_006939.4 (MANE Select); 294 bases into the intron after coding-DNA position 714, C replaced by T.
Molecular consequence: intron variant.
Genome position (GRCh38, 1-based): chr14:50,188,203, G>A on the plus strand (C>T on the coding strand, the complement: SOS2 is on the minus strand). VCF-style: chr14-50188203-G-A. GRCh37 (hg19) VCF-style: chr14-50654921-G-A.
Identifiers: ClinVar variation 561868 (VCV000561868.1), dbSNP rs12894390, ClinGen allele CA14004597.